The following is an entry in ClinVar:

ClinVar aggregate classification (germline): Uncertain significance. Review status: criteria provided, multiple submitters, no conflicts (2 of 4 stars). 5 submissions from 5 submitters: Uncertain significance (4). 1 of the submissions does not count toward it. Last evaluated 2024-07-20.

Conditions:
Wilson disease (WND). Also called: Wilson's disease. Identifiers: Orphanet 905, MedGen C0019202, MONDO:0010200, OMIM 277900. Disease mechanism: loss of function.

Allele frequency attached by ClinVar (database versions not stated): gnomAD 0.00001; TOPMed 0.00002.
gnomAD v4.1: 34 of 1,614,088 alleles (0.0021%); highest among the groups gnomAD compares: East Asian, 0.0067%; no homozygotes.

Submissions (5):

All of Us Research Program, National Institutes of Health
Classification: Uncertain significance for Wilson disease. Last evaluated: 2024-07-20. Review status: criteria provided, single submitter. Criteria: ACMG Guidelines, 2015. Collection method: clinical testing. Allele origin: germline. Inheritance: Autosomal recessive inheritance. Observed: 4 variant alleles, 4 heterozygotes.
Comment: This missense variant replaces arginine with glutamine at codon 1440 of the ATP7B protein. Computational prediction suggests that this variant may not impact protein structure and function (internally defined REVEL score threshold <= 0.5, PMID: 27666373). To our knowledge, functional studies have not been reported for this variant. This variant has not been reported in individuals affected with Wilson disease in the literature. This variant has been identified in 4/249544 chromosomes in the general population by the Genome Aggregation Database (gnomAD). The available evidence is insufficient to determine the role of this variant in disease conclusively. Therefore, this variant is classified as a Variant of Uncertain Significance.

This study involves interpretation of variants in research participants for the purpose of population health screening. Participant phenotype was not available at the time of variant classification. Additional details can be found in publication PMID: 35346344, PMCID: PMC8962531

Color Diagnostics, LLC DBA Color Health
Classification: Uncertain significance for Wilson disease. Last evaluated: 2024-03-06. Review status: criteria provided, single submitter. Criteria: ACMG Guidelines, 2015. Collection method: clinical testing. Allele origin: germline.
Comment: This missense variant replaces arginine with glutamine at codon 1440 of the ATP7B protein. Computational prediction suggests that this variant may not impact protein structure and function. To our knowledge, functional studies have not been reported for this variant. This variant has not been reported in individuals affected with Wilson disease in the literature. This variant has been identified in 4/249544 chromosomes in the general population by the Genome Aggregation Database (gnomAD). The available evidence is insufficient to determine the role of this variant in disease conclusively. Therefore, this variant is classified as a Variant of Uncertain Significance.

Labcorp Genetics (formerly Invitae), Labcorp
Classification: Uncertain significance for Wilson disease. Last evaluated: 2022-08-20. Review status: criteria provided, single submitter. Criteria: Invitae Variant Classification Sherloc (09022015). Collection method: clinical testing. Allele origin: germline.
Comment: This sequence change replaces arginine, which is basic and polar, with glutamine, which is neutral and polar, at codon 1440 of the ATP7B protein (p.Arg1440Gln). This variant is present in population databases (rs201483366, gnomAD 0.006%). This variant has not been reported in the literature in individuals affected with ATP7B-related conditions. ClinVar contains an entry for this variant (Variation ID: 968828). Advanced modeling of protein sequence and biophysical properties (such as structural, functional, and spatial information, amino acid conservation, physicochemical variation, residue mobility, and thermodynamic stability) performed at Invitae indicates that this missense variant is not expected to disrupt ATP7B protein function. In summary, the available evidence is currently insufficient to determine the role of this variant in disease. Therefore, it has been classified as a Variant of Uncertain Significance.

Fulgent Genetics
Classification: Uncertain significance for Wilson disease. Last evaluated: 2022-05-01. Review status: criteria provided, single submitter. Criteria: ACMG Guidelines, 2015. Collection method: clinical testing. Allele origin: unknown.

Natera, Inc.
Classification: Uncertain significance for Wilson disease. Last evaluated: 2020-03-03. Review status: no assertion criteria provided. Collection method: clinical testing. Allele origin: germline. Not counted in ClinVar's aggregate classification.

NM_000053.4(ATP7B):c.4319G>A (p.Arg1440Gln)

Gene: ATP7B (ATPase copper transporting beta; minus strand). Cytogenetic location: 13q14.3.
Variant type: single nucleotide variant.
Coding change: c.4319G>A on transcript NM_000053.4 (MANE Select); coding-DNA position 4319, G replaced by A.
Protein change: p.Arg1440Gln; replaces arginine 1440 with glutamine.
Molecular consequence: missense variant.
Genome position (GRCh38, 1-based): chr13:51,934,835, C>T on the plus strand (G>A on the coding strand, the complement: ATP7B is on the minus strand). VCF-style: chr13-51934835-C-T. GRCh37 (hg19) VCF-style: chr13-52508971-C-T.
Other names: c.3698G>A, p.Arg1233Gln (NM_001005918.3); c.3986G>A, p.Arg1329Gln (NM_001243182.2); c.4085G>A, p.Arg1362Gln (NM_001330578.2); c.4067G>A, p.Arg1356Gln (NM_001330579.2); short protein forms R1233Q, R1362Q, R1356Q, R1329Q, R1440Q.
Identifiers: ClinVar variation 968828 (VCV000968828.13), dbSNP rs201483366, ClinGen allele CA6988423.
Genomic context (GRCh38, chr13:51,934,835, plus strand): 5'-TCCCTGCCATTCAGGAGCAGAGACCACTTGTCCCCATCATCGTCTGCTGCAGCGCTGTGC[C>T]GAGATGGCTTGTCGGACGTCAGGGAGGACAGCGACACCTGGCTGACATAGCTGACCTGGT-3'
Protein context (NP_000044.2, residues 1430-1450): LSSLTSDKPS[Arg1440Gln]HSAAADDDGD